The following is an entry in ClinVar:

ClinVar aggregate classification (germline): Uncertain significance (1 of 4 stars; one submission).

Allele frequency attached by ClinVar (database versions not stated): gnomAD 0.00001; gnomAD exomes 0.00001; TOPMed 0.00001; ExAC 0.00002.
gnomAD v4.1: 7 of 1,613,734 alleles (0.00043%); highest among the groups gnomAD compares: Admixed American, 0.012%; no homozygotes.

Submission:

Labcorp Genetics (formerly Invitae), Labcorp
Classification: Uncertain significance. Last evaluated: 2025-05-01. Review status: criteria provided, single submitter. Criteria: Invitae Variant Classification Sherloc (09022015). Collection method: clinical testing. Allele origin: germline.
Comment: This sequence change replaces cysteine, which is neutral and slightly polar, with tyrosine, which is neutral and polar, at codon 1143 of the ZNF687 protein (p.Cys1143Tyr). This variant is present in population databases (rs760226026, gnomAD 0.01%). This variant has not been reported in the literature in individuals affected with ZNF687-related conditions. ClinVar contains an entry for this variant (Variation ID: 2193913). An algorithm developed to predict the effect of missense changes on protein structure and function (PolyPhen-2) suggests that this variant is likely to be disruptive. In summary, the available evidence is currently insufficient to determine the role of this variant in disease. Therefore, it has been classified as a Variant of Uncertain Significance.

NM_020832.3(ZNF687):c.3428G>A (p.Cys1143Tyr)

Gene: ZNF687 (zinc finger protein 687; plus strand). Cytogenetic location: 1q21.3.
Variant type: single nucleotide variant.
Coding change: c.3428G>A on transcript NM_020832.3 (MANE Select); coding-DNA position 3428, G replaced by A.
Protein change: p.Cys1143Tyr; replaces cysteine 1143 with tyrosine.
Molecular consequence: missense variant.
Genome position (GRCh38, 1-based): chr1:151,290,923, G>A. VCF-style: chr1-151290923-G-A. GRCh37 (hg19) VCF-style: chr1-151263399-G-A.
Other names: c.3428G>A, p.Cys1143Tyr (NM_001304763.2, NM_001304764.2); short protein forms C1143Y.
Identifiers: ClinVar variation 2193913 (VCV002193913.4), dbSNP rs760226026, ClinGen allele CA1088869.